The following is an entry in ClinVar:

NM_020911.2(PLXNA4):c.903G>A (p.Glu301=)

Gene: PLXNA4 (plexin A4; minus strand). Cytogenetic location: 7q32.3.
Variant type: single nucleotide variant.
Coding change: c.903G>A on transcript NM_020911.2 (MANE Select); coding-DNA position 903, G replaced by A.
Protein change: p.Glu301=; no amino-acid change (glutamic acid 301 retained).
Molecular consequence: synonymous variant.
Genome position (GRCh38, 1-based): chr7:132,507,791, C>T on the plus strand (G>A on the coding strand, the complement: PLXNA4 is on the minus strand). VCF-style: chr7-132507791-C-T. GRCh37 (hg19) VCF-style: chr7-132192550-C-T.
Other names: c.903G>A, p.Glu301= (NM_001105543.2, NM_001393897.1, NM_181775.4).
Identifiers: ClinVar variation 3348259 (VCV003348259.1).

ClinVar aggregate classification (germline): Likely benign (0 of 4 stars; one submission).

Conditions:
PLXNA4-related disorder. Also called: PLXNA4-related condition.

Submission:

PreventionGenetics, part of Exact Sciences
Classification: Likely benign for PLXNA4-related condition. Last evaluated: 2023-10-13. Review status: no assertion criteria provided. Collection method: clinical testing. Allele origin: germline.
Comment: This variant is classified as likely benign based on ACMG/AMP sequence variant interpretation guidelines (Richards et al. 2015 PMID: 25741868, with internal and published modifications).